The following is an entry in ClinVar:

NM_001126128.2(PROK2):c.215C>T (p.Thr72Ile)

Gene: PROK2 (prokineticin 2; minus strand). Cytogenetic location: 3p13.
Variant type: single nucleotide variant.
Coding change: c.215C>T on transcript NM_001126128.2 (MANE Select); coding-DNA position 215, C replaced by T.
Protein change: p.Thr72Ile; replaces threonine 72 with isoleucine.
Molecular consequence: missense variant.
Genome position (GRCh38, 1-based): chr3:71,781,474, G>A on the plus strand (C>T on the coding strand, the complement: PROK2 is on the minus strand). VCF-style: chr3-71781474-G-A. GRCh37 (hg19) VCF-style: chr3-71830625-G-A.
Other names: c.215C>T, p.Thr72Ile (NM_021935.4); short protein forms T72I.
Identifiers: ClinVar variation 2469598 (VCV002469598.3), dbSNP rs765020287, ClinGen allele CA2491996.
Genomic context (GRCh38, chr3:71,781,474, plus strand): 5'-GCTCAGAGTTACCACAGTAGAACCACCATGAATACAAATATATATATACTAACTTTACGA[G>A]TCAGTGGATGGCAGCTGTCTCCCAGTTTGCCCATAGGTGTGCAAATCCTTATGCTCTTGA-3'
Protein context (NP_001119600.1, residues 62-82): GKLGDSCHPL[Thr72Ile]RKNNFGNGRQ

ClinVar aggregate classification (germline): Uncertain significance. Review status: criteria provided, single submitter (1 of 4 stars). 2 submissions from 2 submitters: Uncertain significance (1). 1 of the submissions does not count toward it. Last evaluated 2023-02-15.

Conditions:
Inborn genetic diseases. Identifiers: MedGen C0950123, MeSH D030342.
PROK2-related disorder. Also called: PROK2-related condition.

Allele frequency attached by ClinVar (database versions not stated): gnomAD 0.00001; gnomAD exomes 0.00001; TOPMed 0.00002; ExAC 0.00003.
gnomAD v4.1: 15 of 1,613,920 alleles (0.00093%); highest among the groups gnomAD compares: Admixed American, 0.015%; no homozygotes.

Submissions (2):

Ambry Genetics
Classification: Uncertain significance for Inborn genetic diseases. Last evaluated: 2023-02-15. Review status: criteria provided, single submitter. Criteria: Ambry Variant Classification Scheme 2023. Collection method: clinical testing. Allele origin: germline.

PreventionGenetics, part of Exact Sciences
Classification: Uncertain significance for PROK2-related condition. Last evaluated: 2024-05-28. Review status: no assertion criteria provided. Collection method: clinical testing. Allele origin: germline. Not counted in ClinVar's aggregate classification.
Comment: The PROK2 c.215C>T variant is predicted to result in the amino acid substitution p.Thr72Ile. To our knowledge, this variant has not been reported in the literature. Of note, nearby missense variants (p.Arg73Cys and Arg73His) have been reported in individuals with hypogonadotropic hypogonadism and Kallmann syndrome (Dodé et al. 2006. PubMed ID: 17054399; Shaw et al. 2011. PubMed ID: 21209029, supplemental table 1). This variant is reported in 0.023% of alleles in individuals of Latino descent in gnomAD. Although we suspect that this variant may be benign, at this time, the clinical significance of this variant is uncertain due to the absence of conclusive functional and genetic evidence.